The following is an entry in ClinVar:

ClinVar aggregate classification (germline): Uncertain significance (1 of 4 stars; one submission).

Conditions:
Dyskeratosis congenita, autosomal dominant 6 (DKCA6). Identifiers: Orphanet 3322, MedGen C4225284, MONDO:0014690, OMIM 616553.

Submission:

Labcorp Genetics (formerly Invitae), Labcorp
Classification: Uncertain significance for Dyskeratosis congenita, autosomal dominant 6. Last evaluated: 2025-08-11. Review status: criteria provided, single submitter. Criteria: Invitae Variant Classification Sherloc (09022015). Collection method: clinical testing. Allele origin: germline.
Comment: This sequence change creates a premature translational stop signal (p.Val45Glyfs*60) in the ACD gene. It is expected to result in an absent or disrupted protein product. However, the current clinical and genetic evidence is not sufficient to establish whether loss-of-function variants in ACD cause disease. This variant is present in population databases (no rsID available, gnomAD 0.0008%). This variant has not been reported in the literature in individuals affected with ACD-related conditions. ClinVar contains an entry for this variant (Variation ID: 2884675). In summary, the available evidence is currently insufficient to determine the role of this variant in disease. Therefore, it has been classified as a Variant of Uncertain Significance.

NC_000016.10:g.67660354_67660415dup

Genes: ACD (ACD shelterin complex subunit and telomerase recruitment factor; minus strand), LOC130059224 (ATAC-STARR-seq lymphoblastoid silent region 7617; plus strand). Cytogenetic location: 16q22.1.
Variant type: Duplication.
Genome position: GRCh38: chr16:67,660,354-67,660,415. GRCh37 (hg19): chr16:67,694,257-67,694,318.
Identifiers: ClinVar variation 2884675 (VCV002884675.3), dbSNP rs1567643009, ClinGen allele CA623120868.